The following is an entry in ClinVar:

ClinVar aggregate classification (germline): Conflicting classifications of pathogenicity. Review status: criteria provided, conflicting classifications (1 of 4 stars). 5 submissions from 5 submitters: Uncertain significance (3); Likely benign (1). 1 of the submissions does not count toward it. Last evaluated 2024-03-31.

Conditions:
Acyl-CoA dehydrogenase 9 deficiency. Also called: Acyl-CoA dehydrogenase family, member 9, deficiency of; MITOCHONDRIAL COMPLEX I DEFICIENCY, NUCLEAR TYPE 20. Identifiers: Orphanet 99901, MedGen C4747517, MONDO:0012624, OMIM 611126.
ACAD9-related disorder. Also called: ACAD9-related condition.

Allele frequency attached by ClinVar (database versions not stated): gnomAD 0.00012; TOPMed 0.00025.
gnomAD v4.1: 109 of 1,611,028 alleles (0.0068%); highest among the groups gnomAD compares: Admixed American, 0.063%; no homozygotes.

Submissions (5):

Women's Health and Genetics/Laboratory Corporation of America, LabCorp
Classification: Uncertain significance. Last evaluated: 2024-03-31. Review status: criteria provided, single submitter. Criteria: LabCorp Variant Classification Summary - May 2015. Collection method: clinical testing. Allele origin: germline.

Blueprint Genetics
Classification: Likely benign. Last evaluated: 2023-12-22. Review status: criteria provided, single submitter. Criteria: ACMG Guidelines, 2015. Collection method: clinical testing. Allele origin: germline.

Clinical Genomics Laboratory, Stanford Medicine
Classification: Uncertain significance for Acyl-CoA dehydrogenase 9 deficiency. Last evaluated: 2023-07-10. Review status: criteria provided, single submitter. Criteria: ACMG Guidelines, 2015. Collection method: clinical testing. Allele origin: germline. Observed: 1 variant allele, 1 heterozygote.
Comment: The c.1278+6T>C variant in the ACAD9 gene has not been previously reported in association with disease. This variant has been identified in 24/34,580 Latino/Admixed American chromosomes (29/251,004 chromosomes overall) by the Genome Aggregation Database. This variant is present in ClinVar (Variation ID: 2058217). This variant occurs in the 5’ donor splice site of intron 12. Computational splicing tools predict an impact to splicing; however, the accuracy of in silico algorithms is limited. These data were assessed using the ACMG/AMP variant interpretation guidelines. In summary, the significance of the c.1278+6T>C variant is uncertain. Additional information is needed to resolve the significance of this variant. [ACMG evidence codes used: PM2_Supporting; PP3]

Labcorp Genetics (formerly Invitae), Labcorp
Classification: Uncertain significance. Last evaluated: 2022-06-25. Review status: criteria provided, single submitter. Criteria: Invitae Variant Classification Sherloc (09022015). Collection method: clinical testing. Allele origin: germline.
Comment: This sequence change falls in intron 12 of the ACAD9 gene. It does not directly change the encoded amino acid sequence of the ACAD9 protein. It affects a nucleotide within the consensus splice site. This variant is present in population databases (rs759358857, gnomAD 0.07%). This variant has not been reported in the literature in individuals affected with ACAD9-related conditions. Variants that disrupt the consensus splice site are a relatively common cause of aberrant splicing (PMID: 17576681, 9536098). Algorithms developed to predict the effect of sequence changes on RNA splicing suggest that this variant is not likely to affect RNA splicing. In summary, the available evidence is currently insufficient to determine the role of this variant in disease. Therefore, it has been classified as a Variant of Uncertain Significance.

PreventionGenetics, part of Exact Sciences
Classification: Likely benign for ACAD9-related condition. Last evaluated: 2019-12-26. Review status: no assertion criteria provided. Collection method: clinical testing. Allele origin: germline. Not counted in ClinVar's aggregate classification.
Comment: This variant is classified as likely benign based on ACMG/AMP sequence variant interpretation guidelines (Richards et al. 2015 PMID: 25741868, with internal and published modifications).

Literature cited by the submitters: PubMed 17576681 (cited by Labcorp Genetics (formerly Invitae), Labcorp); PubMed 9536098 (cited by Labcorp Genetics (formerly Invitae), Labcorp).

NM_014049.5(ACAD9):c.1278+6T>C

Gene: ACAD9 (acyl-CoA dehydrogenase family member 9; plus strand). Cytogenetic location: 3q21.3.
Variant type: single nucleotide variant.
Coding change: c.1278+6T>C on transcript NM_014049.5 (MANE Select); 6 bases into the intron after coding-DNA position 1278, T replaced by C.
Molecular consequence: intron variant.
Genome position (GRCh38, 1-based): chr3:128,906,255, T>C. VCF-style: chr3-128906255-T-C. GRCh37 (hg19) VCF-style: chr3-128625098-T-C.
Other names: c.1278+6T>C (NM_014049.4).
Identifiers: ClinVar variation 2058217 (VCV002058217.7), dbSNP rs759358857, ClinGen allele CA2601454.